The following is an entry in ClinVar:

NM_001453.3(FOXC1):c.1464GGC[9] (p.Ala495_Gly496insAlaAlaAla)

Gene: FOXC1 (forkhead box C1; plus strand). Cytogenetic location: 6p25.3.
Variant type: Microsatellite.
Coding change: c.1464GGC[9] on transcript NM_001453.3 (MANE Select); nine copies in a row of the 3-base unit GGC starting at c.1464; the reference has six copies in a row; three copies, 9 bases duplicated.
Protein change: p.Ala495_Gly496insAlaAlaAla.
Molecular consequence: inframe insertion.
Genome position (GRCh38, 1-based): chr6:1,611,918-1,611,926, GGCGGCGGC duplicated; duplicating any 9 consecutive bases within chr6:1,611,907-1,611,926 gives the same sequence; the position shown is the placement nearest the transcript's 3' end. VCF-style (leftmost placement, unchanged base first): chr6-1611906-C-CGCGGCGGCG. GRCh37 (hg19) VCF-style: chr6-1612141-C-CGCGGCGGCG.
Other names: c.1473_1481dup9 (NM_001453.2).
Identifiers: ClinVar variation 2580647 (VCV002580647.5), dbSNP rs747574884, ClinGen allele CA3614901.
Genomic context (GRCh38, chr6:1,611,906, plus strand): 5'-AGGCCGCCTCACCTCGTGGTACCTGAACCAGGCGGGCGGAGACCTGGGCCACTTGGCGAG[C>CGCGGCGGCG]GCGGCGGCGGCGGCGGCGGCCGCAGGCTACCCGGGCCAGCAGCAGAACTTCCACTCGGTG-3'

ClinVar aggregate classification (germline): Conflicting classifications of pathogenicity. Review status: criteria provided, conflicting classifications (1 of 4 stars). 3 submissions from 3 submitters: Uncertain significance (1); Likely benign (2). Last evaluated 2026-02-04.

Conditions:
FOXC1-related disorder. Also called: FOXC1-related condition.
Axenfeld-Rieger syndrome type 3 (RIEG3). Also called: AXENFELD-RIEGER ANOMALY WITH CARDIAC DEFECTS AND/OR SENSORINEURAL HEARING LOSS. Identifiers: Orphanet 782, MedGen C2678503, MONDO:0011233, OMIM 602482.

Submissions (3):

PreventionGenetics, part of Exact Sciences
Classification: Likely benign for FOXC1-related condition. Last evaluated: 2026-02-04. Review status: criteria provided, single submitter. Criteria: ACMG Guidelines, 2015. Collection method: clinical testing. Allele origin: germline.
Comment: This variant is classified as likely benign based on ACMG/AMP sequence variant interpretation guidelines (Richards et al. 2015 PMID: 25741868, with internal and published modifications).

Labcorp Genetics (formerly Invitae), Labcorp
Classification: Likely benign for Axenfeld-Rieger syndrome type 3. Last evaluated: 2025-09-03. Review status: criteria provided, single submitter. Criteria: Invitae Variant Classification Sherloc (09022015). Collection method: clinical testing. Allele origin: germline.

GeneDx
Classification: Uncertain significance. Last evaluated: 2024-10-29. Review status: criteria provided, single submitter. Criteria: GeneDx Variant Classification Process June 2021. Collection method: clinical testing. Allele origin: germline.
Comment: Has not been previously published as pathogenic or benign to our knowledge; In-frame duplication of 3 amino acids in a repetitive region with no known function